The following is an entry in ClinVar:

NM_025099.6(CTC1):c.2386-10A>G

Gene: CTC1 (CST telomere replication complex component 1; minus strand). Cytogenetic location: 17p13.1.
Variant type: single nucleotide variant.
Coding change: c.2386-10A>G on transcript NM_025099.6 (MANE Select); 10 bases into the intron before coding-DNA position 2386, A replaced by G.
Molecular consequence: intron variant.
Genome position (GRCh38, 1-based): chr17:8,231,825, T>C on the plus strand (A>G on the coding strand, the complement: CTC1 is on the minus strand). VCF-style: chr17-8231825-T-C. GRCh37 (hg19) VCF-style: chr17-8135143-T-C.
Identifiers: ClinVar variation 1691963 (VCV001691963.6), dbSNP rs746382653, ClinGen allele CA8372095.
Genomic context (GRCh38, chr17:8,231,825, plus strand): 5'-GTGCAAGAACTCAAACCAGCGGACTGAAGAGCCAAAGAAAATGAGGTGAACCTGGGAGGA[T>C]GGAGAGCAAAGTGCTGGGATCCTAGCCAGAGGCTCAGGGCGCAGGTCAGGTCCTGGGTCC-3'

ClinVar aggregate classification (germline): Conflicting classifications of pathogenicity. Review status: criteria provided, conflicting classifications (1 of 4 stars). 2 submissions from 2 submitters: Uncertain significance (1); Likely benign (1). Last evaluated 2026-01-12.

Conditions:
Dyskeratosis congenita. Identifiers: Orphanet 1775, MedGen C0265965, MONDO:0015780.

Allele frequency attached by ClinVar (database versions not stated): gnomAD exomes below 0.00001 and 0.00001; gnomAD 0.00001; TOPMed 0.00001; ExAC 0.00002.
gnomAD v4.1: 8 of 1,614,086 alleles (0.0005%); highest among the groups gnomAD compares: African/African-American, 0.0013%; no homozygotes.

Submissions (2):

Labcorp Genetics (formerly Invitae), Labcorp
Classification: Likely benign for Dyskeratosis congenita. Last evaluated: 2026-01-12. Review status: criteria provided, single submitter. Criteria: Invitae Variant Classification Sherloc (09022015). Collection method: clinical testing. Allele origin: germline.

Sema4
Classification: Uncertain significance for Dyskeratosis congenita. Last evaluated: 2021-08-02. Review status: criteria provided, single submitter. Criteria: Sema4 Curation Guidelines. Collection method: curation. Allele origin: germline.
Comment: The CTC1 c.2386-10A>G variant has not been reported in the literature to our knowledge. It was observed in 2/113260 chromosomes of the European (non-Finnish) subpopulation in the large and broad cohorts of the Genome Aggregation Database (PMID: 32461654). The variant has not been reported in ClinVar. In silico tools suggest the variant does not influence normal splicing, though these predictions have not been confirmed by functional studies. The evidence is insufficient to meet ACMG/AMP criteria for classifying the variant as benign or pathogenic. Thus, the clinical significance of this variant is currently uncertain.